The following is an entry in ClinVar:

NM_001006941.2(ALG3):c.52+9G>A

Gene: ALG3 (ALG3 alpha-1,3- mannosyltransferase; minus strand). Cytogenetic location: 3q27.1.
Variant type: single nucleotide variant.
Coding change: c.52+9G>A on transcript NM_001006941.2; 9 bases into the intron after coding-DNA position 52, G replaced by A.
Molecular consequence: intron variant.
Genome position (GRCh38, 1-based): chr3:184,249,217, C>T on the plus strand (G>A on the coding strand, the complement: ALG3 is on the minus strand). VCF-style: chr3-184249217-C-T. GRCh37 (hg19) VCF-style: chr3-183967005-C-T.
Identifiers: ClinVar variation 1702746 (VCV001702746.4), dbSNP rs76371354, ClinGen allele CA2729721.

ClinVar aggregate classification (germline): Likely benign. Review status: criteria provided, single submitter (1 of 4 stars). 2 submissions from 2 submitters: Likely benign (1). 1 of the submissions does not count toward it. Last evaluated 2022-02-16.

Conditions:
ALG3-related disorder. Also called: ALG3-related condition.

Allele frequency attached by ClinVar (database versions not stated): gnomAD 0.00130 and 0.00143; TOPMed 0.00139; ExAC 0.00153; gnomAD exomes 0.00043 and 0.00118; 1000 Genomes Project 0.00379; ESP Exome Variant Server 0.00117; 1000 Genomes Project 30x 0.00344.
gnomAD v4.1: 858 of 1,612,358 alleles (0.053%); highest among the groups gnomAD compares: East Asian, 1.2%; 5 homozygotes.

Submissions (2):

GeneDx
Classification: Likely benign. Last evaluated: 2022-02-16. Review status: criteria provided, single submitter. Criteria: GeneDx Variant Classification Process June 2021. Collection method: clinical testing. Allele origin: germline. Affected: yes.
Comment: See Variant Classification Assertion Criteria.

PreventionGenetics, part of Exact Sciences
Classification: Benign for ALG3-related condition. Last evaluated: 2019-03-18. Review status: no assertion criteria provided. Collection method: clinical testing. Allele origin: germline. Not counted in ClinVar's aggregate classification.
Comment: This variant is classified as benign based on ACMG/AMP sequence variant interpretation guidelines (Richards et al. 2015 PMID: 25741868, with internal and published modifications).